The following is an entry in ClinVar:

ClinVar aggregate classification (germline): Pathogenic (0 of 4 stars; one submission).

Conditions:
Axenfeld-Rieger syndrome type 3 (RIEG3). Also called: AXENFELD-RIEGER ANOMALY WITH CARDIAC DEFECTS AND/OR SENSORINEURAL HEARING LOSS. Identifiers: Orphanet 782, MedGen C2678503, MONDO:0011233, OMIM 602482.

Submission:

Genetics and Molecular Pathology, SA Pathology
Classification: Pathogenic for Axenfeld-Rieger syndrome type 3. Review status: no assertion criteria provided. Collection method: clinical testing. Allele origin: unknown. Inheritance: Autosomal dominant inheritance. Affected: yes. Observed: 2 variant alleles, 2 heterozygotes.
Comment: Non-sense codon introduces premature terminating codon (PTC) effecting functional haploinufficiency; clinical significance consistent with FOXC1 PTC variants found upstream and down stream of this position - each regarded as pathogenic in published literature.

NM_001453.3(FOXC1):c.1265C>A (p.Ser422Ter)

Gene: FOXC1 (forkhead box C1; plus strand). Cytogenetic location: 6p25.3.
Variant type: single nucleotide variant.
Coding change: c.1265C>A on transcript NM_001453.3 (MANE Select); coding-DNA position 1265, C replaced by A.
Protein change: p.Ser422Ter; replaces serine 422 with a stop codon.
Molecular consequence: nonsense.
Genome position (GRCh38, 1-based): chr6:1,611,710, C>A. VCF-style: chr6-1611710-C-A. GRCh37 (hg19) VCF-style: chr6-1611945-C-A.
Other names: short protein forms S422*.
Identifiers: ClinVar variation 375431 (VCV000375431.3), dbSNP rs1057519482, ClinGen allele CA16044270.